The following is an entry in ClinVar:

ClinVar aggregate classification (germline): Benign. Review status: criteria provided, multiple submitters, no conflicts (2 of 4 stars). 2 submissions from 2 submitters: Benign (2). Last evaluated 2018-06-14.

Allele frequency attached by ClinVar (database versions not stated): gnomAD exomes 0.09548; gnomAD 0.15833 and 0.16230; TOPMed 0.16978; 1000 Genomes Project 0.18550; 1000 Genomes Project 30x 0.18645.
gnomAD v4.1: 149,058 of 1,454,148 alleles (10%); highest among the groups gnomAD compares: African/African-American, 34%; 10,288 homozygotes.

Submissions (2):

GeneDx
Classification: Benign. Last evaluated: 2018-06-14. Review status: criteria provided, single submitter. Criteria: GeneDx Variant Classification (06012015). Collection method: clinical testing. Allele origin: germline. Affected: yes.
Comment: This variant is considered likely benign or benign based on one or more of the following criteria: it is a conservative change, it occurs at a poorly conserved position in the protein, it is predicted to be benign by multiple in silico algorithms, and/or has population frequency not consistent with disease.

Breakthrough Genomics
Classification: Benign. Review status: criteria provided, single submitter. Criteria: ACMG Guidelines, 2015. Collection method: not provided. Allele origin: germline. Inheritance: Autosomal recessive inheritance. Affected: yes.

NM_000302.4(PLOD1):c.1470+81T>C

Gene: PLOD1 (procollagen-lysine,2-oxoglutarate 5-dioxygenase 1; plus strand). Cytogenetic location: 1p36.22.
Variant type: single nucleotide variant.
Coding change: c.1470+81T>C on transcript NM_000302.4 (MANE Select); 81 bases into the intron after coding-DNA position 1470, T replaced by C.
Molecular consequence: intron variant.
Genome position (GRCh38, 1-based): chr1:11,964,866, T>C. VCF-style: chr1-11964866-T-C. GRCh37 (hg19) VCF-style: chr1-12024923-T-C.
Other names: c.1611+81T>C (NM_001316320.2).
Identifiers: ClinVar variation 678593 (VCV000678593.2), dbSNP rs7529312, ClinGen allele CA18013356.